The following is an entry in ClinVar:

ClinVar aggregate classification (germline): Uncertain significance. Review status: criteria provided, multiple submitters, no conflicts (2 of 4 stars). 3 submissions from 3 submitters: Uncertain significance (3). Last evaluated 2023-10-30.

Conditions:
Patterned macular dystrophy 2. Identifiers: Orphanet 99001, MedGen C1837029, MONDO:0012162, OMIM 608970.
Hereditary cancer-predisposing syndrome. Also called: Hereditary neoplastic syndrome; Neoplastic Syndromes, Hereditary; Hereditary Cancer Syndrome; Tumor predisposition. Identifiers: Orphanet 140162, MedGen C0027672, MeSH D009386, MONDO:0015356.

Allele frequency attached by ClinVar (database versions not stated): TOPMed below 0.00001; ExAC 0.00001; gnomAD 0.00001; gnomAD exomes 0.00001; ESP Exome Variant Server 0.00008.
gnomAD v4.1: 3 of 1,614,112 alleles (0.00019%); highest among the groups gnomAD compares: Admixed American, 0.0017%; no homozygotes.

Submissions (3):

Baylor Genetics
Classification: Uncertain significance for Patterned macular dystrophy 2. Last evaluated: 2023-10-30. Review status: criteria provided, single submitter. Criteria: ACMG Guidelines, 2015. Collection method: clinical testing. Allele origin: unknown.

Labcorp Genetics (formerly Invitae), Labcorp
Classification: Uncertain significance. Last evaluated: 2023-10-06. Review status: criteria provided, single submitter. Criteria: Invitae Variant Classification Sherloc (09022015). Collection method: clinical testing. Allele origin: germline.
Comment: This sequence change replaces arginine, which is basic and polar, with histidine, which is basic and polar, at codon 329 of the CTNNA1 protein (p.Arg329His). This variant is present in population databases (rs373717420, gnomAD no frequency). This variant has not been reported in the literature in individuals affected with CTNNA1-related conditions. ClinVar contains an entry for this variant (Variation ID: 658505). An algorithm developed to predict the effect of missense changes on protein structure and function (PolyPhen-2) suggests that this variant is likely to be tolerated. In summary, the available evidence is currently insufficient to determine the role of this variant in disease. Therefore, it has been classified as a Variant of Uncertain Significance.

Ambry Genetics
Classification: Uncertain significance for Hereditary cancer-predisposing syndrome. Last evaluated: 2022-09-25. Review status: criteria provided, single submitter. Criteria: Ambry Variant Classification Scheme 2023. Collection method: clinical testing. Allele origin: germline.
Comment: The p.R329H variant (also known as c.986G>A), located in coding exon 6 of the CTNNA1 gene, results from a G to A substitution at nucleotide position 986. The arginine at codon 329 is replaced by histidine, an amino acid with highly similar properties. This amino acid position is highly conserved in available vertebrate species. In addition, the in silico prediction for this alteration is inconclusive. The evidence for this gene-disease relationship is limited; therefore, the clinical significance of this alteration is unclear.

NM_001903.5(CTNNA1):c.986G>A (p.Arg329His)

Gene: CTNNA1 (catenin alpha 1; plus strand). Cytogenetic location: 5q31.2.
Variant type: single nucleotide variant.
Coding change: c.986G>A on transcript NM_001903.5 (MANE Select); coding-DNA position 986, G replaced by A.
Protein change: p.Arg329His; replaces arginine 329 with histidine.
Molecular consequence: missense variant.
Genome position (GRCh38, 1-based): chr5:138,827,642, G>A. VCF-style: chr5-138827642-G-A. GRCh37 (hg19) VCF-style: chr5-138163331-G-A.
Other names: c.986G>A, p.Arg329His (NM_001290307.3, NM_001323982.2, NM_001323983.1 and 3 more transcripts); c.677G>A, p.Arg226His (NM_001290309.3); c.617G>A, p.Arg206His (NM_001290310.3); short protein forms R226H, R206H, R329H.
Identifiers: ClinVar variation 658505 (VCV000658505.14), dbSNP rs373717420, ClinGen allele CA3431600.
Genomic context (GRCh38, chr5:138,827,642, plus strand): 5'-TGGAAAGCATCATTAGTGGGGCTGCCTTGATGGCCGACTCGTCCTGCACGCGTGATGACC[G>A]TCGTGAGCGAATTGTGGCAGAGTGTAATGCTGTCCGCCAGGCCCTGCAGGACCTGCTTTC-3'
Protein context (NP_001894.2, residues 319-339): MADSSCTRDD[Arg329His]RERIVAECNA